The following is an entry in ClinVar:

NM_001039348.3(EFEMP1):c.1000+3A>G

Gene: EFEMP1 (EGF-like fibulin extracellular matrix protein 1; minus strand). Cytogenetic location: 2p16.1.
Variant type: single nucleotide variant.
Coding change: c.1000+3A>G on transcript NM_001039348.3 (MANE Select); 3 bases into the intron after coding-DNA position 1000, A replaced by G.
Molecular consequence: intron variant.
Genome position (GRCh38, 1-based): chr2:55,874,943, T>C on the plus strand (A>G on the coding strand, the complement: EFEMP1 is on the minus strand). VCF-style: chr2-55874943-T-C. GRCh37 (hg19) VCF-style: chr2-56102078-T-C.
Other names: c.1000+3A>G (NM_001039349.3).
Identifiers: ClinVar variation 2099050 (VCV002099050.4), dbSNP rs540612217, ClinGen allele CA1668781.

ClinVar aggregate classification (germline): Uncertain significance (1 of 4 stars; one submission).

Allele frequency attached by ClinVar (database versions not stated): gnomAD 0.00001; gnomAD exomes 0.00001; ExAC 0.00002; 1000 Genomes Project 30x 0.00016; 1000 Genomes Project 0.00020.

Submission:

Labcorp Genetics (formerly Invitae), Labcorp
Classification: Uncertain significance. Last evaluated: 2023-05-08. Review status: criteria provided, single submitter. Criteria: Invitae Variant Classification Sherloc (09022015). Collection method: clinical testing. Allele origin: germline.
Comment: Variants that disrupt the consensus splice site are a relatively common cause of aberrant splicing (PMID: 17576681, 9536098). Algorithms developed to predict the effect of sequence changes on RNA splicing suggest that this variant is not likely to affect RNA splicing. ClinVar contains an entry for this variant (Variation ID: 2099050). This variant has not been reported in the literature in individuals affected with EFEMP1-related conditions. This variant is present in population databases (rs540612217, gnomAD 0.01%). This sequence change falls in intron 9 of the EFEMP1 gene. It does not directly change the encoded amino acid sequence of the EFEMP1 protein. It affects a nucleotide within the consensus splice site. In summary, the available evidence is currently insufficient to determine the role of this variant in disease. Therefore, it has been classified as a Variant of Uncertain Significance.

Literature cited by the submitters: PubMed 17576681; PubMed 9536098.